The following is an entry in ClinVar:

NM_000179.3(MSH6):c.1812A>G (p.Glu604=)

Gene: MSH6 (mutS homolog 6; plus strand). Cytogenetic location: 2p16.3.
Variant type: single nucleotide variant.
Coding change: c.1812A>G on transcript NM_000179.3 (MANE Select); coding-DNA position 1812, A replaced by G.
Protein change: p.Glu604=; no amino-acid change (glutamic acid 604 retained).
Molecular consequence: synonymous variant. On other transcripts: non-coding transcript variant (4), intron variant (2).
Genome position (GRCh38, 1-based): chr2:47,799,795, A>G. VCF-style: chr2-47799795-A-G. GRCh37 (hg19) VCF-style: chr2-48026934-A-G.
Other names: c.1422A>G, p.Glu474= (NM_001281492.2); c.906A>G, p.Glu302= (NM_001281493.2, NM_001281494.2, NM_001406811.1 and 6 more transcripts); c.1908A>G, p.Glu636= (NM_001406795.1, NM_001406802.1); c.1812A>G, p.Glu604= (NM_001406796.1, NM_001406798.1, NM_001406800.1 and 3 more transcripts); c.1515A>G, p.Glu505= (NM_001406797.1, NM_001406801.1, NM_001406805.1 and 10 more transcripts); c.1287A>G, p.Glu429= (NM_001406799.1, NM_001406806.1, NM_001406807.1); c.1734A>G, p.Glu578= (NM_001406804.1); c.1818A>G, p.Glu606= (NM_001406813.1); and 3 more.
Identifiers: ClinVar variation 3904761 (VCV003904761.2).
Genomic context (GRCh38, chr2:47,799,795, plus strand): 5'-TCTAGTGGCACACTATCCCCCAGTACAAGTTTTATTTGAAAAAGGAAATCTCTCAAAGGA[A>G]ACTAAAACAATTCTAAAGAGTTCATTGTCCTGTTCTCTTCAGGAAGGTCTGATACCCGGC-3'
Protein context (NP_000170.1, residues 594-614): VLFEKGNLSK[Glu604=]TKTILKSSLS

ClinVar aggregate classification (germline): Benign/Likely benign. Review status: criteria provided, multiple submitters, no conflicts (2 of 4 stars). 2 submissions from 2 submitters: Benign (1); Likely benign (1). Last evaluated 2025-03-15.

Conditions:
Hereditary cancer-predisposing syndrome. Also called: Hereditary Cancer Syndrome; Hereditary neoplastic syndrome; Neoplastic Syndromes, Hereditary; Tumor predisposition. Identifiers: Orphanet 140162, MedGen C0027672, MeSH D009386, MONDO:0015356.
Lynch syndrome 5 (LYNCH5). Also called: Colorectal cancer, hereditary nonpolyposis, type 5; Hereditary non-polyposis colorectal cancer, type 5. Identifiers: Orphanet 144, MedGen C1833477, MONDO:0013710, OMIM 614350. Disease mechanism: loss of function.

Submissions (2):

Ambry Genetics
Classification: Likely benign for Hereditary cancer-predisposing syndrome. Last evaluated: 2025-03-15. Review status: criteria provided, single submitter. Criteria: Ambry Variant Classification Scheme 2023. Collection method: clinical testing. Allele origin: germline.

Myriad Genetics, Inc.
Classification: Benign for Lynch syndrome 5. Last evaluated: 2024-12-27. Review status: criteria provided, single submitter. Criteria: Myriad Autosomal Dominant, Autosomal Recessive and X-Linked Classification Criteria (2023). Collection method: clinical testing. Allele origin: unknown.
Comment: This variant is considered benign. This variant is a silent/synonymous amino acid change and it is not expected to impact splicing.